The following is an entry in ClinVar:

ClinVar aggregate classification (germline): Uncertain significance. Review status: criteria provided, multiple submitters, no conflicts (2 of 4 stars). 2 submissions from 2 submitters: Uncertain significance (2). Last evaluated 2024-06-22.

Conditions:
Cardiovascular phenotype. Identifiers: MedGen CN230736.

gnomAD v4.1: 2 of 1,573,666 alleles (0.00013%); highest among the groups gnomAD compares: Non-Finnish European, 0.00017%; no homozygotes.

Submissions (2):

Ambry Genetics
Classification: Uncertain significance for Cardiovascular phenotype. Last evaluated: 2024-06-22. Review status: criteria provided, single submitter. Criteria: Ambry Variant Classification Scheme 2023. Collection method: clinical testing. Allele origin: germline.
Comment: The p.G280D variant (also known as c.839G>A), located in coding exon 8 of the MYBPC3 gene, results from a G to A substitution at nucleotide position 839. The glycine at codon 280 is replaced by aspartic acid, an amino acid with similar properties. This amino acid position is conserved. In addition, this alteration is predicted to be tolerated by in silico analysis. Based on the available evidence, the clinical significance of this variant remains unclear.

Blueprint Genetics
Classification: Uncertain significance. Last evaluated: 2024-05-10. Review status: criteria provided, single submitter. Criteria: ACMG Guidelines, 2015. Collection method: clinical testing. Allele origin: germline.

NM_000256.3(MYBPC3):c.839G>A (p.Gly280Asp)

Gene: MYBPC3 (myosin binding protein C3; minus strand). Cytogenetic location: 11p11.2.
Variant type: single nucleotide variant.
Coding change: c.839G>A on transcript NM_000256.3 (MANE Select); coding-DNA position 839, G replaced by A.
Protein change: p.Gly280Asp; replaces glycine 280 with aspartic acid.
Molecular consequence: missense variant.
Genome position (GRCh38, 1-based): chr11:47,347,663, C>T on the plus strand (G>A on the coding strand, the complement: MYBPC3 is on the minus strand). VCF-style: chr11-47347663-C-T. GRCh37 (hg19) VCF-style: chr11-47369214-C-T.
Other names: short protein forms G280D.
Identifiers: ClinVar variation 3297232 (VCV003297232.2).
Genomic context (GRCh38, chr11:47,347,663, plus strand): 5'-CCCCTGGGGGTCTGCGGATGGTGCAGGTAGGGCCTGGGGCAGGGGTACCTGATCCGCCGA[C>T]CACCTCCAGCCAGGCTCCTGTGGGGGTTAGACTCAGTATCCTCACCTGCCTGGGAAGCTT-3'
Protein context (NP_000247.2, residues 270-290): AFRRTSLAGG[Gly280Asp]RRISDSHEDT